The following is an entry in ClinVar:

NM_000551.4(VHL):c.9_10insGCGG (p.Arg4fs)

Gene: VHL (von Hippel-Lindau tumor suppressor; plus strand). Cytogenetic location: 3p25.3.
Variant type: Insertion.
Coding change: c.9_10insGCGG on transcript NM_000551.4 (MANE Select); coding-DNA positions 9 to 10, GCGG inserted.
Protein change: p.Arg4fs; shifts the reading frame from arginine 4.
Molecular consequence: frameshift variant.
Genome position: GRCh38 VCF-style: chr3-10141853-C-CCGGG. GRCh37 (hg19) VCF-style: chr3-10183537-C-CCGGG.
Other names: c.9_10insGCGG, p.Arg4fs (NM_001354723.2, NM_198156.3); short protein forms R4fs.
Identifiers: ClinVar variation 822886 (VCV000822886.7), dbSNP rs1559425474, ClinGen allele CA541213517.

ClinVar aggregate classification (germline): Uncertain significance. Review status: criteria provided, multiple submitters, no conflicts (2 of 4 stars). 2 submissions from 2 submitters: Uncertain significance (2). Last evaluated 2022-11-14.

Conditions:
Von Hippel-Lindau syndrome (VHLS). Also called: VHL syndrome; Von Hippel-Lindau; von Hippel–Lindau syndrome. Identifiers: Orphanet 892, MedGen C0019562, MONDO:0008667, OMIM 193300. Disease mechanism: loss of function.
Chuvash polycythemia. Also called: POLYCYTHEMIA, VHL-DEPENDENT. Identifiers: Orphanet 238557, MedGen C1837915, MONDO:0009892, OMIM 263400.
Hereditary cancer-predisposing syndrome. Also called: Hereditary Cancer Syndrome; Neoplastic Syndromes, Hereditary; Hereditary neoplastic syndrome; Tumor predisposition. Identifiers: Orphanet 140162, MedGen C0027672, MeSH D009386, MONDO:0015356.

Submissions (2):

Labcorp Genetics (formerly Invitae), Labcorp
Classification: Uncertain significance for Von Hippel-Lindau syndrome; Chuvash polycythemia. Last evaluated: 2022-11-14. Review status: criteria provided, single submitter. Criteria: Invitae Variant Classification Sherloc (09022015). Collection method: clinical testing. Allele origin: germline.
Comment: This sequence change creates a premature translational stop signal (p.Arg4Alafs*24) in the VHL gene. It is unclear whether it will result in an absent or disrupted protein product because an in-frame methionine located at codon 54 has the potential to rescue this variant. This variant is present in population databases (no rsID available, gnomAD 0.004%). This variant has not been reported in the literature in individuals affected with VHL-related conditions. ClinVar contains an entry for this variant (Variation ID: 822886). Several studies have shown that the VHL protein created from a downstream methionine located at codon 54 is biologically active, and exhibits properties similar to the full-length, wild-type protein (PMID: 9671762, 9751722). In summary, the available evidence is currently insufficient to determine the role of this variant in disease. Therefore, it has been classified as a Variant of Uncertain Significance.

Ambry Genetics
Classification: Uncertain significance for Hereditary cancer-predisposing syndrome. Last evaluated: 2018-11-12. Review status: criteria provided, single submitter. Criteria: Ambry Variant Classification Scheme 2023. Collection method: clinical testing. Allele origin: germline.
Comment: The c.9_10insGCGG variant, located in coding exon 1 of the VHL gene, results from an insertion of 4 nucleotides at position 9, causing a translational frameshift with a predicted alternate stop codon (p.R4Afs*24). Premature stop codons are typically deleterious in nature; however, an alternate initiation codon exists 54 amino acids from the initiation site in the VHL gene, and is reported to result in a biologically active isoform, known as VHL19 (Iliopoulos O et al. Proc. Natl. Acad. Sci. U.S.A. 1998 Sep;95:11661-6. Schoenfeld A et al. Proc. Natl. Acad. Sci. U.S.A. 1998 Jul;95:8817-22). Since supporting evidence is conflicting at this time, the clinical significance of this alteration remains unclear.

Literature cited by the submitters: PubMed 9671762 (cited by Labcorp Genetics (formerly Invitae), Labcorp); PubMed 9751722 (cited by Labcorp Genetics (formerly Invitae), Labcorp).